The following is an entry in ClinVar:

NM_001733.7(C1R):c.1645G>T (p.Asp549Tyr)

Gene: C1R (complement C1r; minus strand). Cytogenetic location: 12p13.31.
Variant type: single nucleotide variant.
Coding change: c.1645G>T on transcript NM_001733.7 (MANE Select); coding-DNA position 1645, G replaced by T.
Protein change: p.Asp549Tyr; replaces aspartic acid 549 with tyrosine.
Molecular consequence: missense variant.
Genome position (GRCh38, 1-based): chr12:7,081,005, C>A on the plus strand (G>T on the coding strand, the complement: C1R is on the minus strand). VCF-style: chr12-7081005-C-A. GRCh37 (hg19) VCF-style: chr12-7188309-C-A.
Other names: c.1687G>T, p.Asp563Tyr (NM_001354346.2); short protein forms D549Y, D563Y.
Identifiers: ClinVar variation 4872875 (VCV004872875.3).

ClinVar aggregate classification (germline): Likely benign. Review status: criteria provided, multiple submitters, no conflicts (2 of 4 stars). 2 submissions from 2 submitters: Likely benign (2). Last evaluated 2026-04-01.

gnomAD v4.1: 1,064 of 1,614,042 alleles (0.066%); highest among the groups gnomAD compares: African/African-American, 1.3%; 6 homozygotes.

Submissions (2):

CeGaT Center for Human Genetics Tuebingen
Classification: Likely benign. Last evaluated: 2026-04-01. Review status: criteria provided, single submitter. Criteria: CeGaT Center For Human Genetics Tuebingen Variant Classification Criteria Version 2. Collection method: clinical testing. Allele origin: germline. Affected: yes. Observed: 1 variant allele.
Comment: C1R: BP4, BS1

Blueprint Genetics
Classification: Likely benign. Last evaluated: 2024-08-21. Review status: criteria provided, single submitter. Criteria: ACMG Guidelines, 2015. Collection method: clinical testing. Allele origin: germline.